The following is an entry in ClinVar:

NM_000548.5(TSC2):c.2846T>C (p.Ile949Thr)

Gene: TSC2 (TSC complex subunit 2; plus strand). Cytogenetic location: 16p13.3.
Variant type: single nucleotide variant.
Coding change: c.2846T>C on transcript NM_000548.5 (MANE Select); coding-DNA position 2846, T replaced by C.
Protein change: p.Ile949Thr; replaces isoleucine 949 with threonine.
Molecular consequence: missense variant. On other transcripts: intron variant (9).
Genome position (GRCh38, 1-based): chr16:2,077,606, T>C. VCF-style: chr16-2077606-T-C. GRCh37 (hg19) VCF-style: chr16-2127607-T-C.
Other names: c.2846T>C, p.Ile949Thr (NM_001114382.3); c.2837+1021T>C (NM_021055.3, NM_001370405.1, NM_001363528.2 and 2 more transcripts); c.2726+1021T>C (NM_001318827.2); c.2237+1021T>C (NM_001318831.2); c.2690+1021T>C (NM_001318829.2); c.2870+1021T>C (NM_001318832.2); short protein forms I949T.
Identifiers: ClinVar variation 1014357 (VCV001014357.11), dbSNP rs2089576147, ClinGen allele CA394280764.
Genomic context (GRCh38, chr16:2,077,606, plus strand): 5'-TTCCCGGGAGCTGGGCTCTCTGGGGCGTTGGGGCTCCTTCCTCACCCGATAGTCTGAGGA[T>C]AGCCAGACCCCCCAAACAAGGCTTGAATAACTCTCCACCCGTGAAAGAATTCAAGGAGAG-3'
Protein context (NP_000539.2, residues 939-959): SLNERPKSLR[Ile949Thr]ARPPKQGLNN

ClinVar aggregate classification (germline): Uncertain significance. Review status: criteria provided, multiple submitters, no conflicts (2 of 4 stars). 2 submissions from 2 submitters: Uncertain significance (2). Last evaluated 2023-11-08.

Conditions:
Hereditary cancer-predisposing syndrome. Also called: Tumor predisposition; Hereditary Cancer Syndrome; Neoplastic Syndromes, Hereditary; Hereditary neoplastic syndrome. Identifiers: Orphanet 140162, MedGen C0027672, MeSH D009386, MONDO:0015356.
Tuberous sclerosis 2 (TSC2). Identifiers: Orphanet 805, MedGen C1860707, MONDO:0013199, OMIM 613254.

gnomAD v4.1: 5 of 1,613,056 alleles (0.00031%); highest among the groups gnomAD compares: Non-Finnish European, 0.00042%; no homozygotes.

Submissions (2):

Labcorp Genetics (formerly Invitae), Labcorp
Classification: Uncertain significance for Tuberous sclerosis 2. Last evaluated: 2023-11-08. Review status: criteria provided, single submitter. Criteria: Invitae Variant Classification Sherloc (09022015). Collection method: clinical testing. Allele origin: germline.
Comment: This sequence change replaces isoleucine, which is neutral and non-polar, with threonine, which is neutral and polar, at codon 949 of the TSC2 protein (p.Ile949Thr). This variant is not present in population databases (gnomAD no frequency). This variant has not been reported in the literature in individuals affected with TSC2-related conditions. ClinVar contains an entry for this variant (Variation ID: 1014357). Advanced modeling of protein sequence and biophysical properties (such as structural, functional, and spatial information, amino acid conservation, physicochemical variation, residue mobility, and thermodynamic stability) performed at Invitae indicates that this missense variant is not expected to disrupt TSC2 protein function with a negative predictive value of 95%. In summary, the available evidence is currently insufficient to determine the role of this variant in disease. Therefore, it has been classified as a Variant of Uncertain Significance.

Ambry Genetics
Classification: Uncertain significance for Hereditary cancer-predisposing syndrome. Last evaluated: 2023-03-13. Review status: criteria provided, single submitter. Criteria: Ambry Variant Classification Scheme 2023. Collection method: clinical testing. Allele origin: germline.
Comment: The p.I949T variant (also known as c.2846T>C), located in coding exon 25 of the TSC2 gene, results from a T to C substitution at nucleotide position 2846. The isoleucine at codon 949 is replaced by threonine, an amino acid with similar properties. This amino acid position is not well conserved in available vertebrate species. In addition, the in silico prediction for this alteration is inconclusive. Since supporting evidence is limited at this time, the clinical significance of this alteration remains unclear.